The following is an entry in ClinVar:

ClinVar aggregate classification (germline): Likely pathogenic (1 of 4 stars; one submission).

Conditions:
Treacher Collins syndrome 1 (TCS1). Also called: TCOF1-Related Treacher Collins Syndrome. Identifiers: Orphanet 861, MedGen CN315775, MONDO:0007944, OMIM 154500.

Submission:

Labcorp Genetics (formerly Invitae), Labcorp
Classification: Likely pathogenic for Treacher Collins syndrome 1. Last evaluated: 2019-10-04. Review status: criteria provided, single submitter. Criteria: Invitae Variant Classification Sherloc (09022015). Collection method: clinical testing. Allele origin: germline.
Comment: This variant has been observed in individual(s) affected with Treacher Collins syndrome (Invitae). In at least one individual the variant was observed to be de novo. In summary, the currently available evidence indicates that the variant is pathogenic, but additional data are needed to prove that conclusively. Therefore, this variant has been classified as Likely Pathogenic. Algorithms developed to predict the effect of missense changes on protein structure and function are either unavailable or do not agree on the potential impact of this missense change (SIFT: "Deleterious"; PolyPhen-2: "Possibly Damaging"; Align-GVGD: "Class C0"). This variant is not present in population databases (ExAC no frequency). This sequence change replaces valine with glycine at codon 30 of the TCOF1 protein (p.Val30Gly). The valine residue is highly conserved and there is a moderate physicochemical difference between valine and glycine.

NM_001371623.1(TCOF1):c.89T>G (p.Val30Gly)

Gene: TCOF1 (treacle ribosome biogenesis factor 1; plus strand). Cytogenetic location: 5q32.
Variant type: single nucleotide variant.
Coding change: c.89T>G on transcript NM_001371623.1 (MANE Select); coding-DNA position 89, T replaced by G.
Protein change: p.Val30Gly; replaces valine 30 with glycine.
Molecular consequence: missense variant.
Genome position (GRCh38, 1-based): chr5:150,357,835, T>G. VCF-style: chr5-150357835-T-G. GRCh37 (hg19) VCF-style: chr5-149737398-T-G.
Other names: c.89T>G, p.Val30Gly (NM_000356.4, NM_001008657.3, NM_001135243.2 and 3 more transcripts); short protein forms V30G.
Identifiers: ClinVar variation 960386 (VCV000960386.10), dbSNP rs1758963105, ClinGen allele CA361726216.